The following is an entry in ClinVar:

ClinVar aggregate classification (germline): Uncertain significance (1 of 4 stars; one submission).

Conditions:
Charcot-Marie-Tooth disease axonal type 2O. Also called: CHARCOT-MARIE-TOOTH NEUROPATHY, AXONAL, TYPE 2O; CHARCOT-MARIE-TOOTH DISEASE, AXONAL, AUTOSOMAL DOMINANT, TYPE 2O; Charcot-Marie-Tooth Neuropathy Type 2O; Charcot-Marie-Tooth disease, axonal, type 20. Identifiers: Orphanet 284232, MedGen C3280220, MONDO:0013644, OMIM 614228.

Allele frequency attached by ClinVar (database versions not stated): gnomAD exomes below 0.00001 and 0.00001; gnomAD 0.00001; TOPMed 0.00001.
gnomAD v4.1: 11 of 1,613,854 alleles (0.00068%); highest among the groups gnomAD compares: Non-Finnish European, 0.00093%; no homozygotes.

Submission:

Labcorp Genetics (formerly Invitae), Labcorp
Classification: Uncertain significance for Charcot-Marie-Tooth disease axonal type 2O. Last evaluated: 2024-08-24. Review status: criteria provided, single submitter. Criteria: Invitae Variant Classification Sherloc (09022015). Collection method: clinical testing. Allele origin: germline.
Comment: This sequence change falls in intron 45 of the DYNC1H1 gene. It does not directly change the encoded amino acid sequence of the DYNC1H1 protein. It affects a nucleotide within the consensus splice site. This variant is present in population databases (no rsID available, gnomAD 0.0009%). This variant has not been reported in the literature in individuals affected with DYNC1H1-related conditions. ClinVar contains an entry for this variant (Variation ID: 580511). Variants that disrupt the consensus splice site are a relatively common cause of aberrant splicing (PMID: 17576681, 9536098). Algorithms developed to predict the effect of sequence changes on RNA splicing suggest that this variant may disrupt the consensus splice site. In summary, the available evidence is currently insufficient to determine the role of this variant in disease. Therefore, it has been classified as a Variant of Uncertain Significance.

Literature cited by the submitters: PubMed 17576681; PubMed 9536098.

NM_001376.5(DYNC1H1):c.8886+4C>T

Gene: DYNC1H1 (dynein cytoplasmic 1 heavy chain 1; plus strand). Cytogenetic location: 14q32.31.
Variant type: single nucleotide variant.
Coding change: c.8886+4C>T on transcript NM_001376.5 (MANE Select); 4 bases into the intron after coding-DNA position 8886, C replaced by T.
Molecular consequence: intron variant.
Genome position (GRCh38, 1-based): chr14:102,027,292, C>T. VCF-style: chr14-102027292-C-T. GRCh37 (hg19) VCF-style: chr14-102493629-C-T.
Identifiers: ClinVar variation 580511 (VCV000580511.10), dbSNP rs1349379812, ClinGen allele CA616354022.